The following is an entry in ClinVar:

NM_005502.4(ABCA1):c.928G>A (p.Gly310Arg)

Gene: ABCA1 (ATP binding cassette subfamily A member 1; minus strand). Cytogenetic location: 9q31.1.
Variant type: single nucleotide variant.
Coding change: c.928G>A on transcript NM_005502.4 (MANE Select); coding-DNA position 928, G replaced by A.
Protein change: p.Gly310Arg; replaces glycine 310 with arginine.
Molecular consequence: missense variant.
Genome position (GRCh38, 1-based): chr9:104,840,405, C>T on the plus strand (G>A on the coding strand, the complement: ABCA1 is on the minus strand). VCF-style: chr9-104840405-C-T. GRCh37 (hg19) VCF-style: chr9-107602686-C-T.
Other names: short protein forms G310R.
Identifiers: ClinVar variation 1959535 (VCV001959535.5), dbSNP rs762864760, ClinGen allele CA5169162.

ClinVar aggregate classification (germline): Uncertain significance (1 of 4 stars; one submission).

Allele frequency attached by ClinVar (database versions not stated): ExAC 0.00001; gnomAD exomes 0.00001.

Submission:

Labcorp Genetics (formerly Invitae), Labcorp
Classification: Uncertain significance. Last evaluated: 2022-07-19. Review status: criteria provided, single submitter. Criteria: Invitae Variant Classification Sherloc (09022015). Collection method: clinical testing. Allele origin: germline.
Comment: In summary, the available evidence is currently insufficient to determine the role of this variant in disease. Therefore, it has been classified as a Variant of Uncertain Significance. Algorithms developed to predict the effect of sequence changes on RNA splicing suggest that this variant may disrupt the consensus splice site. Advanced modeling of protein sequence and biophysical properties (such as structural, functional, and spatial information, amino acid conservation, physicochemical variation, residue mobility, and thermodynamic stability) performed at Invitae indicates that this missense variant is expected to disrupt ABCA1 protein function. This variant has not been reported in the literature in individuals affected with ABCA1-related conditions. This variant is present in population databases (rs762864760, gnomAD 0.004%). This sequence change replaces glycine, which is neutral and non-polar, with arginine, which is basic and polar, at codon 310 of the ABCA1 protein (p.Gly310Arg).